The following is an entry in ClinVar:

ClinVar aggregate classification (germline): Pathogenic (1 of 4 stars; one submission).

Conditions:
Hyperkalemic periodic paralysis. Also called: Gamstorp disease; Familial hyperkalemic periodic paralysis. Identifiers: Orphanet 682, MedGen C0238357, MONDO:0008224, OMIM 170500, HP:0007215.

Submission:

Labcorp Genetics (formerly Invitae), Labcorp
Classification: Pathogenic for Hyperkalemic periodic paralysis. Last evaluated: 2023-10-07. Review status: criteria provided, single submitter. Criteria: Invitae Variant Classification Sherloc (09022015). Collection method: clinical testing. Allele origin: germline.
Comment: This sequence change replaces serine, which is neutral and polar, with proline, which is neutral and non-polar, at codon 1434 of the SCN4A protein (p.Ser1434Pro). This variant is not present in population databases (gnomAD no frequency). This missense change has been observed in individuals with clinical features of paramyotonia congenita (PMID: 23771340, 29111379; Invitae). It has also been observed to segregate with disease in related individuals. ClinVar contains an entry for this variant (Variation ID: 565872). Advanced modeling of protein sequence and biophysical properties (such as structural, functional, and spatial information, amino acid conservation, physicochemical variation, residue mobility, and thermodynamic stability) performed at Invitae indicates that this missense variant is not expected to disrupt SCN4A protein function. For these reasons, this variant has been classified as Pathogenic.

Literature cited by the submitters: PubMed 23771340; PubMed 29111379.

NM_000334.4(SCN4A):c.4300T>C (p.Ser1434Pro)

Genes: GH-LCR (growth hormone locus control region; plus strand), SCN4A (sodium voltage-gated channel alpha subunit 4; minus strand). Cytogenetic location: 17q23.3.
Variant type: single nucleotide variant.
Coding change: c.4300T>C on transcript NM_000334.4 (MANE Select); coding-DNA position 4300, T replaced by C.
Protein change: p.Ser1434Pro; replaces serine 1434 with proline.
Molecular consequence: missense variant.
Genome position (GRCh38, 1-based): chr17:63,941,982, A>G on the plus strand (T>C on the coding strand, the complement: SCN4A is on the minus strand). VCF-style: chr17-63941982-A-G. GRCh37 (hg19) VCF-style: chr17-62019342-A-G.
Other names: short protein forms S1434P.
Identifiers: ClinVar variation 565872 (VCV000565872.9), dbSNP rs1567816549, ClinGen allele CA400616279.